The following is an entry in ClinVar:

ClinVar aggregate classification (germline): Likely benign (1 of 4 stars; one submission).

Submission:

CeGaT Center for Human Genetics Tuebingen
Classification: Likely benign. Last evaluated: 2022-12-01. Review status: criteria provided, single submitter. Criteria: CeGaT Center For Human Genetics Tuebingen Variant Classification Criteria Version 2. Collection method: clinical testing. Allele origin: germline. Affected: yes. Observed: 1 variant allele.
Comment: DNAH10: BP4

NM_001372106.1(DNAH10):c.8635-6del

Gene: DNAH10 (dynein axonemal heavy chain 10; plus strand). Cytogenetic location: 12q24.31.
Variant type: Deletion.
Coding change: c.8635-6del on transcript NM_001372106.1 (MANE Select); 6 bases into the intron before coding-DNA position 8635, one base deleted (A; older notation c.8635-6delA).
Molecular consequence: intron variant.
Genome position (GRCh38, 1-based): chr12:123,881,619, A deleted; the last of 3 consecutive A bases (chr12:123,881,617-123,881,619); deleting any one gives the same sequence. VCF-style (leftmost placement, unchanged base first): chr12-123881616-TA-T. GRCh37 (hg19) VCF-style: chr12-124366163-TA-T.
Other names: c.8281-6del (NM_207437.3).
Identifiers: ClinVar variation 2643532 (VCV002643532.24), dbSNP rs760633456, ClinGen allele CA6864843.
Genomic context (GRCh38, chr12:123,881,616, plus strand): 5'-TTGTCAGATGGGTAGATTGTAAAACCCACCATGCTGGGTTTTGAATTCTTTTTTTTTTTT[TA>T]AATGCAGGAAATTCTTGAAGAGTATAATGAAAGCAACACCAAAATGAACTTGGTTCTCTT-3'